The following is an entry in ClinVar:

NM_007194.4(CHEK2):c.1162_1167del (p.Pro388_Thr389del)

Gene: CHEK2 (checkpoint kinase 2; minus strand). Cytogenetic location: 22q12.1.
Variant type: Deletion.
Coding change: c.1162_1167del on transcript NM_007194.4 (MANE Select); coding-DNA positions 1162 to 1167, 6 bases deleted (CCCACC; older notation c.1162_1167delCCCACC).
Protein change: p.Pro388_Thr389del.
Molecular consequence: inframe deletion. On other transcripts: inframe indel (4).
Genome position (GRCh38, 1-based): chr22:28,695,802-28,695,807, GGTGGG deleted on the plus strand (CCCACC on the coding strand, the reverse complement: CHEK2 is on the minus strand); deleting any 6 consecutive bases within chr22:28,695,802-28,695,810 gives the same sequence; the c. name uses the placement nearest the transcript's 3' end. VCF-style (leftmost placement, unchanged base first): chr22-28695801-AGGTGGG-A. GRCh37 (hg19) VCF-style: chr22-29091789-AGGTGGG-A.
Other names: c.1288_1293delACCCCC, p.Pro431_Thr432del (NM_001005735.3); c.496_501delACCCCC, p.Pro167_Thr168del (NM_001257387.3); c.958_963delACCCCC, p.Pro321_Thr322del (NM_001349956.3); c.1072_1077delACCCCC, p.Pro359_Thr360del (NM_145862.3).
Identifiers: ClinVar variation 3226018 (VCV003226018.1), dbSNP rs2517807430, ClinGen allele CA2825002873.

ClinVar aggregate classification (germline): Uncertain significance (1 of 4 stars; one submission).

Conditions:
Hereditary cancer-predisposing syndrome. Also called: Neoplastic Syndromes, Hereditary; Tumor predisposition; Hereditary neoplastic syndrome; Hereditary Cancer Syndrome. Identifiers: Orphanet 140162, MedGen C0027672, MeSH D009386, MONDO:0015356.

Submission:

Ambry Genetics
Classification: Uncertain significance for Hereditary cancer-predisposing syndrome. Last evaluated: 2023-12-26. Review status: criteria provided, single submitter. Criteria: Ambry Variant Classification Scheme 2023. Collection method: clinical testing. Allele origin: germline.
Comment: The c.1162_1167delCCCACC variant (also known as p.P388_T389del) is located in coding exon 10 of the CHEK2 gene. This variant results from an in-frame CCCACC deletion at nucleotide positions 1162 to 1167. This results in the in-frame deletion of a proline and a threonine at codons 388 and 389. These amino acid positions are well conserved in available vertebrate species. This alteration is predicted to be deleterious by in silico analysis (Choi Y et al. PLoS ONE. 2012; 7(10):e46688). Since supporting evidence is limited at this time, the clinical significance of this alteration remains unclear.